The following is an entry in ClinVar:

NM_000097.7(CPOX):c.-55G>C

Genes: CPOX (coproporphyrinogen oxidase; minus strand), LOC129937121 (ATAC-STARR-seq lymphoblastoid silent region 14560; plus strand). Cytogenetic location: 3q11.2.
Variant type: single nucleotide variant.
Coding change: c.-55G>C on transcript NM_000097.7 (MANE Select); 55 bases upstream of the start codon, G replaced by C.
Molecular consequence: 5 prime UTR variant.
Genome position (GRCh38, 1-based): chr3:98,593,559, C>G on the plus strand (G>C on the coding strand, the complement: CPOX is on the minus strand). VCF-style: chr3-98593559-C-G. GRCh37 (hg19) VCF-style: chr3-98312403-C-G.
Other names: c.-55G>C (LRG_1077t1).
Identifiers: ClinVar variation 347000 (VCV000347000.6), dbSNP rs115030377, ClinGen allele CA10616824.

ClinVar aggregate classification (germline): Benign. Review status: criteria provided, multiple submitters, no conflicts (2 of 4 stars). 2 submissions from 2 submitters: Benign (2). Last evaluated 2018-01-12.

Conditions:
Hereditary coproporphyria (HCP). Also called: Hereditary coproporphyria porphyria; Porphyria hepatica coproporphyria; Porphyria hepatica II; CPRO deficiency; COPROPORPHYRINOGEN OXIDASE DEFICIENCY; CPO DEFICIENCY. Identifiers: Orphanet 79273, MedGen C0162531, MONDO:0007369, OMIM 121300.

Allele frequency attached by ClinVar (database versions not stated): gnomAD 0.00964 and 0.01010; TOPMed 0.01045; 1000 Genomes Project 0.01278; 1000 Genomes Project 30x 0.01327.
gnomAD v4.1: 2,634 of 1,479,040 alleles (0.18%); highest among the groups gnomAD compares: African/African-American, 3.3%; 45 homozygotes.

Submissions (2):

Illumina Laboratory Services, Illumina
Classification: Benign for Hereditary coproporphyria. Last evaluated: 2018-01-12. Review status: criteria provided, single submitter. Criteria: ICSL Variant Classification Criteria 13 December 2019. Collection method: clinical testing. Allele origin: germline.
Comment: This variant was observed in the ICSL laboratory as part of a predisposition screen in an ostensibly healthy population. It had not been previously curated by ICSL or reported in the Human Gene Mutation Database (HGMD: prior to June 1st, 2018), and was therefore a candidate for classification through an automated scoring system. Utilizing variant allele frequency, disease prevalence and penetrance estimates, and inheritance mode, an automated score was calculated to assess if this variant is too frequent to cause the disease. Based on the score and internal cut-off values, a variant classified as benign is not then subjected to further curation. The score for this variant resulted in a classification of benign for this disease.

Breakthrough Genomics
Classification: Benign. Review status: criteria provided, single submitter. Criteria: ACMG Guidelines, 2015. Collection method: not provided. Allele origin: germline. Inheritance: Autosomal recessive inheritance. Affected: yes.